The following is an entry in ClinVar:

NM_005356.5(LCK):c.283G>C (p.Gly95Arg)

Gene: LCK (LCK proto-oncogene, Src family tyrosine kinase; plus strand). Cytogenetic location: 1p35.2.
Variant type: single nucleotide variant.
Coding change: c.283G>C on transcript NM_005356.5 (MANE Select); coding-DNA position 283, G replaced by C.
Protein change: p.Gly95Arg; replaces glycine 95 with arginine.
Molecular consequence: missense variant.
Genome position (GRCh38, 1-based): chr1:32,275,325, G>C. VCF-style: chr1-32275325-G-C. GRCh37 (hg19) VCF-style: chr1-32740926-G-C.
Other names: c.283G>C, p.Gly95Arg (NM_001042771.3, NM_001330468.2); short protein forms G95R.
Identifiers: ClinVar variation 1445844 (VCV001445844.6), dbSNP rs377653414, ClinGen allele CA339636768.

ClinVar aggregate classification (germline): Uncertain significance (1 of 4 stars; one submission).

Conditions:
Severe combined immunodeficiency due to LCK deficiency. Also called: Immunodeficiency 22. Identifiers: Orphanet 280142, MedGen C4014233, MONDO:0014334, OMIM 615758.

Allele frequency attached by ClinVar (database versions not stated): TOPMed below 0.00001.
gnomAD v4.1: 1 of 1,614,150 alleles (0.000062%); highest among the groups gnomAD compares: Non-Finnish European, 0.000085%; no homozygotes.

Submission:

Labcorp Genetics (formerly Invitae), Labcorp
Classification: Uncertain significance for Severe combined immunodeficiency due to LCK deficiency. Last evaluated: 2021-08-14. Review status: criteria provided, single submitter. Criteria: Invitae Variant Classification Sherloc (09022015). Collection method: clinical testing. Allele origin: germline.
Comment: This sequence change replaces glycine with arginine at codon 95 of the LCK protein (p.Gly95Arg). The glycine residue is highly conserved and there is a moderate physicochemical difference between glycine and arginine. In summary, the available evidence is currently insufficient to determine the role of this variant in disease. Therefore, it has been classified as a Variant of Uncertain Significance. Algorithms developed to predict the effect of missense changes on protein structure and function are either unavailable or do not agree on the potential impact of this missense change (SIFT: "Deleterious"; PolyPhen-2: "Possibly Damaging"; Align-GVGD: "Class C0"). This variant has not been reported in the literature in individuals affected with LCK-related conditions. This variant is not present in population databases (ExAC no frequency).